The following is an entry in ClinVar:

ClinVar aggregate classification (germline): Likely benign. Review status: criteria provided, multiple submitters, no conflicts (2 of 4 stars). 4 submissions from 4 submitters: Likely benign (3). 1 of the submissions does not count toward it. Last evaluated 2024-11-14.

Conditions:
BDP1-related disorder. Also called: BDP1-related condition.

Allele frequency attached by ClinVar (database versions not stated): gnomAD 0.00005 and 0.00006; ExAC 0.00006; TOPMed 0.00007; gnomAD exomes 0.00008 and 0.00010; 1000 Genomes Project 0.00020; 1000 Genomes Project 30x 0.00047.
gnomAD v4.1: 159 of 1,613,018 alleles (0.0099%); highest among the groups gnomAD compares: Middle Eastern, 0.43%; no homozygotes.

Submissions (4):

Blueprint Genetics
Classification: Likely benign. Last evaluated: 2024-11-14. Review status: criteria provided, single submitter. Criteria: ACMG Guidelines, 2015. Collection method: clinical testing. Allele origin: germline.

GeneDx
Classification: Likely benign. Last evaluated: 2020-12-02. Review status: criteria provided, single submitter. Criteria: GeneDx Variant Classification Process June 2021. Collection method: clinical testing. Allele origin: germline. Affected: yes.

Breakthrough Genomics
Classification: Likely benign. Review status: criteria provided, single submitter. Criteria: ACMG Guidelines, 2015. Collection method: not provided. Allele origin: germline. Inheritance: Autosomal recessive inheritance. Affected: yes.

PreventionGenetics, part of Exact Sciences
Classification: Likely benign for BDP1-related condition. Last evaluated: 2019-05-07. Review status: no assertion criteria provided. Collection method: clinical testing. Allele origin: germline. Not counted in ClinVar's aggregate classification.
Comment: This variant is classified as likely benign based on ACMG/AMP sequence variant interpretation guidelines (Richards et al. 2015 PMID: 25741868, with internal and published modifications).

NM_018429.3(BDP1):c.7575C>T (p.Val2525=)

Gene: BDP1 (BDP1 general transcription factor IIIB subunit; plus strand). Cytogenetic location: 5q13.2.
Variant type: single nucleotide variant.
Coding change: c.7575C>T on transcript NM_018429.3 (MANE Select); coding-DNA position 7575, C replaced by T.
Protein change: p.Val2525=; no amino-acid change (valine 2525 retained).
Molecular consequence: synonymous variant.
Genome position (GRCh38, 1-based): chr5:71,562,352, C>T. VCF-style: chr5-71562352-C-T. GRCh37 (hg19) VCF-style: chr5-70858179-C-T.
Identifiers: ClinVar variation 1316161 (VCV001316161.6), dbSNP rs535538241, ClinGen allele CA3297559.